The following is an entry in ClinVar:

NM_006017.3(PROM1):c.2521A>G (p.Asn841Asp)

Gene: PROM1 (prominin 1; minus strand). Cytogenetic location: 4p15.32.
Variant type: single nucleotide variant.
Coding change: c.2521A>G on transcript NM_006017.3 (MANE Select); coding-DNA position 2521, A replaced by G.
Protein change: p.Asn841Asp; replaces asparagine 841 with aspartic acid.
Molecular consequence: missense variant. On other transcripts: intron variant (6).
Genome position (GRCh38, 1-based): chr4:15,979,456, T>C on the plus strand (A>G on the coding strand, the complement: PROM1 is on the minus strand). VCF-style: chr4-15979456-T-C. GRCh37 (hg19) VCF-style: chr4-15981079-T-C.
Other names: c.2521A>G (NM_006017.2); c.2494A>G, p.Asn832Asp (NM_001145847.2, NM_001145848.2, NM_001371406.1); c.2462+966A>G (NM_001145852.2, NM_001371408.1, NM_001371407.1); c.2489+966A>G (NM_001145850.2); c.2486+425A>G (NM_001145851.2); c.2513+425A>G (NM_001145849.2); short protein forms N832D, N841D.
Identifiers: ClinVar variation 1026790 (VCV001026790.10), dbSNP rs752489889, ClinGen allele CA2866328.

ClinVar aggregate classification (germline): Uncertain significance. Review status: criteria provided, multiple submitters, no conflicts (2 of 4 stars). 3 submissions from 3 submitters: Uncertain significance (3). Last evaluated 2025-10-07.

Conditions:
Inborn genetic diseases. Identifiers: MedGen C0950123, MeSH D030342.

Allele frequency attached by ClinVar (database versions not stated): TOPMed below 0.00001; gnomAD exomes 0.00001 and 0.00002; ExAC 0.00002.
gnomAD v4.1: 12 of 1,610,320 alleles (0.00075%); highest among the groups gnomAD compares: Admixed American, 0.012%; no homozygotes.

Submissions (3):

Ambry Genetics
Classification: Uncertain significance for Inborn genetic diseases. Last evaluated: 2025-10-07. Review status: criteria provided, single submitter. Criteria: Ambry Variant Classification Scheme 2023. Collection method: clinical testing. Allele origin: germline.

Labcorp Genetics (formerly Invitae), Labcorp
Classification: Uncertain significance. Last evaluated: 2025-01-23. Review status: criteria provided, single submitter. Criteria: Invitae Variant Classification Sherloc (09022015). Collection method: clinical testing. Allele origin: germline.
Comment: This sequence change replaces asparagine, which is neutral and polar, with aspartic acid, which is acidic and polar, at codon 841 of the PROM1 protein (p.Asn841Asp). This variant is present in population databases (rs752489889, gnomAD 0.02%). This variant has not been reported in the literature in individuals affected with PROM1-related conditions. ClinVar contains an entry for this variant (Variation ID: 1026790). An algorithm developed to predict the effect of missense changes on protein structure and function (PolyPhen-2) suggests that this variant is likely to be disruptive. In summary, the available evidence is currently insufficient to determine the role of this variant in disease. Therefore, it has been classified as a Variant of Uncertain Significance.

Blueprint Genetics
Classification: Uncertain significance. Last evaluated: 2022-10-26. Review status: criteria provided, single submitter. Criteria: ACMG Guidelines, 2015. Collection method: clinical testing. Allele origin: germline.